The following is an entry in ClinVar:

ClinVar aggregate classification (germline): Conflicting classifications of pathogenicity. Review status: criteria provided, conflicting classifications (1 of 4 stars). 2 submissions from 2 submitters: Likely pathogenic (1); Uncertain significance (1). Last evaluated 2024-12-05.

Conditions:
Congenital hyperammonemia, type I. Also called: Carbamoyl phosphate synthetase 1 deficiency; Hyperammonemia due to carbamoyl phosphate synthetase 1 deficiency; CPS 1 deficiency; Carbamyl phosphate synthetase (CPS) deficiency; CPS I DEFICIENCY; Carbamoyl phosphate synthetase I deficiency disease. Identifiers: Orphanet 147, MedGen C4082171, MONDO:0009376, OMIM 237300.

Allele frequency attached by ClinVar (database versions not stated): gnomAD exomes below 0.00001; TOPMed below 0.00001; ExAC 0.00001.
gnomAD v4.1: 1 of 1,611,510 alleles (0.000062%); highest among the groups gnomAD compares: South Asian, 0.0011%; no homozygotes.

Submissions (2):

Women's Health and Genetics/Laboratory Corporation of America, LabCorp
Classification: Uncertain significance. Last evaluated: 2024-12-05. Review status: criteria provided, single submitter. Criteria: LabCorp Variant Classification Summary - May 2015. Collection method: clinical testing. Allele origin: germline.
Comment: Variant summary: CPS1 c.1291G>A (p.Gly431Arg) results in a non-conservative amino acid change in the encoded protein sequence. Five of five in-silico tools predict a damaging effect of the variant on protein function. The variant allele was found at a frequency of 4e-06 in 250646 control chromosomes (gnomAD). The available data on variant occurrences in the general population are insufficient to allow any conclusion about variant significance. c.1291G>A has been reported in the literature in at least an individual affected with carbamoylphosphate synthetase I deficiency (example: Haberle_2011). This report however, does not provide unequivocal conclusions about association of the variant with carbamoylphosphate synthetase I deficiency. To our knowledge, no experimental evidence demonstrating an impact on protein function has been reported. The following publications have been ascertained in the context of this evaluation (PMID: 21120950, 33551825, 31507628). ClinVar contains an entry for this variant (Variation ID: 801866). Based on the evidence outlined above, the variant was classified as uncertain significance.

Mendelics
Classification: Likely pathogenic for Congenital hyperammonemia, type I. Last evaluated: 2019-05-28. Review status: criteria provided, single submitter. Criteria: Mendelics Assertion Criteria 2017. Collection method: clinical testing. Allele origin: unknown.

Literature cited by the submitters: PubMed 21120950 (cited by Women's Health and Genetics/Laboratory Corporation of America, LabCorp); PubMed 31507628 (cited by Women's Health and Genetics/Laboratory Corporation of America, LabCorp); PubMed 33551825 (cited by Women's Health and Genetics/Laboratory Corporation of America, LabCorp).

NM_001875.5(CPS1):c.1291G>A (p.Gly431Arg)

Gene: CPS1 (carbamoyl-phosphate synthase 1; plus strand). Cytogenetic location: 2q34.
Variant type: single nucleotide variant.
Coding change: c.1291G>A on transcript NM_001875.5 (MANE Select); coding-DNA position 1291, G replaced by A.
Protein change: p.Gly431Arg; replaces glycine 431 with arginine.
Molecular consequence: missense variant. On other transcripts: non-coding transcript variant (2).
Genome position (GRCh38, 1-based): chr2:210,595,514, G>A. VCF-style: chr2-210595514-G-A. GRCh37 (hg19) VCF-style: chr2-211460238-G-A.
Other names: c.1291G>A, p.Gly431Arg (NM_001122633.3, NM_001369257.1); c.1324G>A, p.Gly442Arg (NM_001369256.1); short protein forms G431R, G442R.
Identifiers: ClinVar variation 801866 (VCV000801866.2), dbSNP rs778766382, ClinGen allele CA2086330.
Genomic context (GRCh38, chr2:210,595,514, plus strand): 5'-GTAATAACAGTGTCTTTTTCTTATTGCTTATAGGTTTCCAAAGTCCTTATTCTAGGATCA[G>A]GAGGTCTGTCCATTGGTCAGGCTGGAGAATTTGATTACTCAGGATCTCAAGCTGTAAAAG-3'
Protein context (NP_001866.2, residues 421-441): EVSKVLILGS[Gly431Arg]GLSIGQAGEF